The following is an entry in ClinVar:

NM_013382.7(POMT2):c.1654-217A>G

Gene: POMT2 (protein O-mannosyltransferase 2; minus strand). Cytogenetic location: 14q24.3.
Variant type: single nucleotide variant.
Coding change: c.1654-217A>G on transcript NM_013382.7 (MANE Select); 217 bases into the intron before coding-DNA position 1654, A replaced by G.
Molecular consequence: intron variant.
Genome position (GRCh38, 1-based): chr14:77,280,680, T>C on the plus strand (A>G on the coding strand, the complement: POMT2 is on the minus strand). VCF-style: chr14-77280680-T-C. GRCh37 (hg19) VCF-style: chr14-77747023-T-C.
Identifiers: ClinVar variation 668037 (VCV000668037.1), dbSNP rs2098380, ClinGen allele CA14009041.
Genomic context (GRCh38, chr14:77,280,680, plus strand): 5'-CTACCTACGACACTTGCTTTACTTCTCCCAGACAAGCCTCCATCTCCCATAAGGGGTCCA[T>C]TCCAACCTTCTAGGGAAAAAGAAGGGAAAGAGGAAATTGTTCCAATGGGCACAAAATATA-3'

ClinVar aggregate classification (germline): Benign (1 of 4 stars; one submission).

Allele frequency attached by ClinVar (database versions not stated): TOPMed 0.31721; gnomAD 0.33145 and 0.33270; 1000 Genomes Project 30x 0.30044; 1000 Genomes Project 0.30351.
gnomAD v4.1: 49,559 of 148,644 alleles (33%); highest among the groups gnomAD compares: East Asian, 47%; 9,665 homozygotes.

Submission:

GeneDx
Classification: Benign. Last evaluated: 2018-06-14. Review status: criteria provided, single submitter. Criteria: GeneDx Variant Classification (06012015). Collection method: clinical testing. Allele origin: germline. Affected: yes.
Comment: This variant is considered likely benign or benign based on one or more of the following criteria: it is a conservative change, it occurs at a poorly conserved position in the protein, it is predicted to be benign by multiple in silico algorithms, and/or has population frequency not consistent with disease.